The following is an entry in ClinVar:

NM_001378452.1(ITPR1):c.2980G>A (p.Val994Met)

Gene: ITPR1 (inositol 1,4,5-trisphosphate receptor type 1; plus strand). Cytogenetic location: 3p26.1.
Variant type: single nucleotide variant.
Coding change: c.2980G>A on transcript NM_001378452.1 (MANE Select); coding-DNA position 2980, G replaced by A.
Protein change: p.Val994Met; replaces valine 994 with methionine.
Molecular consequence: missense variant.
Genome position (GRCh38, 1-based): chr3:4,680,565, G>A. VCF-style: chr3-4680565-G-A. GRCh37 (hg19) VCF-style: chr3-4722249-G-A.
Other names: c.2953G>A, p.Val985Met (NM_001099952.4); c.2935G>A, p.Val979Met (NM_001168272.2); c.2908G>A, p.Val970Met (NM_002222.7); c.2908G>A (NM_002222.5); short protein forms V979M, V970M, V985M, V994M.
Identifiers: ClinVar variation 804933 (VCV000804933.7), dbSNP rs776228202, ClinGen allele CA68825273.

ClinVar aggregate classification (germline): Uncertain significance. Review status: criteria provided, multiple submitters, no conflicts (2 of 4 stars). 3 submissions from 3 submitters: Uncertain significance (3). Last evaluated 2025-10-09.

Conditions:
Inborn genetic diseases. Identifiers: MedGen C0950123, MeSH D030342.

Allele frequency attached by ClinVar (database versions not stated): gnomAD exomes 0.00002 and 0.00001; gnomAD 0.00001.
gnomAD v4.1: 8 of 1,612,968 alleles (0.0005%); highest among the groups gnomAD compares: Admixed American, 0.0067%; no homozygotes.

Submissions (3):

Labcorp Genetics (formerly Invitae), Labcorp
Classification: Uncertain significance. Last evaluated: 2025-10-09. Review status: criteria provided, single submitter. Criteria: Invitae Variant Classification Sherloc (09022015). Collection method: clinical testing. Allele origin: germline.
Comment: This sequence change replaces valine, which is neutral and non-polar, with methionine, which is neutral and non-polar, at codon 970 of the ITPR1 protein (p.Val970Met). This variant is present in population databases (rs776228202, gnomAD 0.01%). This variant has not been reported in the literature in individuals affected with ITPR1-related conditions. ClinVar contains an entry for this variant (Variation ID: 804933). Invitae Evidence Modeling of protein sequence and biophysical properties (such as structural, functional, and spatial information, amino acid conservation, physicochemical variation, residue mobility, and thermodynamic stability) indicates that this missense variant is not expected to disrupt ITPR1 protein function with a negative predictive value of 80%. In summary, the available evidence is currently insufficient to determine the role of this variant in disease. Therefore, it has been classified as a Variant of Uncertain Significance.

Athena Diagnostics
Classification: Uncertain significance. Last evaluated: 2024-12-13. Review status: criteria provided, single submitter. Criteria: Athena Diagnostics Criteria. Collection method: clinical testing. Allele origin: unknown.
Comment: Available data are insufficient to determine the clinical significance of the variant at this time. The frequency of this variant in the general population is higher than would generally be expected for pathogenic variants in this gene. Polyphen and MutationTaster yielded discordant predictions regarding whether this amino acid change is damaging to the protein.

Ambry Genetics
Classification: Uncertain significance for Inborn genetic diseases. Last evaluated: 2021-12-20. Review status: criteria provided, single submitter. Criteria: Ambry Variant Classification Scheme 2023. Collection method: clinical testing. Allele origin: germline.